The following is an entry in ClinVar:

ClinVar aggregate classification (germline): Uncertain significance (1 of 4 stars; one submission).

Submission:

Labcorp Genetics (formerly Invitae), Labcorp
Classification: Uncertain significance. Last evaluated: 2022-06-27. Review status: criteria provided, single submitter. Criteria: Invitae Variant Classification Sherloc (09022015). Collection method: clinical testing. Allele origin: germline.
Comment: This variant results in a copy number gain of the genomic region encompassing exon(s) 3-7 of the FGFRL1 gene. This region includes the termination codon of the gene. This copy number gain extends beyond the assayed region for this gene and therefore may encompass additional genes. As the precise location of this event is unknown, it may be in tandem or it may be located elsewhere in the genome. This variant has not been reported in the literature in individuals affected with FGFRL1-related conditions. In summary, the available evidence is currently insufficient to determine the role of this variant in disease. Therefore, it has been classified as a Variant of Uncertain Significance.

NC_000004.11:g.(?_1015971)_(1019135_?)dup

Gene: FGFRL1 (fibroblast growth factor receptor like 1; plus strand). Cytogenetic location: 4p16.3.
Variant type: Duplication.
Identifiers: ClinVar variation 1409990 (VCV001409990.4).